The following is an entry in ClinVar:

NM_004333.6(BRAF):c.1283C>T (p.Ser428Leu)

Gene: BRAF (B-Raf proto-oncogene, serine/threonine kinase; minus strand). Cytogenetic location: 7q34.
Variant type: single nucleotide variant.
Coding change: c.1283C>T on transcript NM_004333.6 (MANE Select); coding-DNA position 1283, C replaced by T.
Protein change: p.Ser428Leu; replaces serine 428 with leucine.
Molecular consequence: missense variant.
Genome position (GRCh38, 1-based): chr7:140,783,052, G>A on the plus strand (C>T on the coding strand, the complement: BRAF is on the minus strand). VCF-style: chr7-140783052-G-A. GRCh37 (hg19) VCF-style: chr7-140482852-G-A.
Other names: c.1283C>T, p.Ser428Leu (NM_001354609.2, NM_001378468.1, NM_001378474.1); c.1403C>T, p.Ser468Leu (NM_001374244.1, NM_001374258.1); c.1292C>T, p.Ser431Leu (NM_001378467.1); c.1217C>T, p.Ser406Leu (NM_001378469.1); c.1181C>T, p.Ser394Leu (NM_001378470.1); c.1172C>T, p.Ser391Leu (NM_001378471.1); c.1127C>T, p.Ser376Leu (NM_001378472.1, NM_001378473.1); c.1019C>T, p.Ser340Leu (NM_001378475.1); short protein forms S428L, S340L, S376L, S391L, S394L, S406L, S431L, S468L.
Identifiers: ClinVar variation 561849 (VCV000561849.3), dbSNP rs1562957703, ClinGen allele CA369589348.

ClinVar aggregate classification (germline): Uncertain significance. Review status: criteria provided, multiple submitters, no conflicts (2 of 4 stars). 2 submissions from 2 submitters: Uncertain significance (2). Last evaluated 2024-12-17.

Conditions:
RASopathy. Also called: Noonan spectrum disorder; rasopathies. Identifiers: Orphanet 536391, MedGen C5555857, MONDO:0021060.

Submissions (2):

Labcorp Genetics (formerly Invitae), Labcorp
Classification: Uncertain significance for RASopathy. Last evaluated: 2024-12-17. Review status: criteria provided, single submitter. Criteria: Invitae Variant Classification Sherloc (09022015). Collection method: clinical testing. Allele origin: germline.
Comment: This sequence change replaces serine, which is neutral and polar, with leucine, which is neutral and non-polar, at codon 428 of the BRAF protein (p.Ser428Leu). This variant is not present in population databases (gnomAD no frequency). This variant has not been reported in the literature in individuals affected with BRAF-related conditions. ClinVar contains an entry for this variant (Variation ID: 561849). Invitae Evidence Modeling of protein sequence and biophysical properties (such as structural, functional, and spatial information, amino acid conservation, physicochemical variation, residue mobility, and thermodynamic stability) indicates that this missense variant is not expected to disrupt BRAF protein function with a negative predictive value of 80%. In summary, the available evidence is currently insufficient to determine the role of this variant in disease. Therefore, it has been classified as a Variant of Uncertain Significance.

GeneDx
Classification: Uncertain significance. Last evaluated: 2018-06-05. Review status: criteria provided, single submitter. Criteria: GeneDx Variant Classification (06012015). Collection method: clinical testing. Allele origin: germline. Affected: yes.
Comment: The S428L variant in the BRAF gene has not been reported previously as a pathogenic variant, nor as a benign variant, to our knowledge. The S428L variant is not observed in large population cohorts (Lek et al., 2016). The S428L variant is a non-conservative amino acid substitution, which is likely to impact secondary protein structure as these residues differ in polarity, charge, size and/or other properties. In-silico analyses, including protein predictors and evolutionary conservation, support that this variant does not alter protein structure/function. We interpret S428L as a variant of uncertain significance.